The following is an entry in ClinVar:

NM_004260.4(RECQL4):c.1507C>T (p.Pro503Ser)

Gene: RECQL4 (RecQ like helicase 4; minus strand). Cytogenetic location: 8q24.3.
Variant type: single nucleotide variant.
Coding change: c.1507C>T on transcript NM_004260.4 (MANE Select); coding-DNA position 1507, C replaced by T.
Protein change: p.Pro503Ser; replaces proline 503 with serine.
Molecular consequence: missense variant. On other transcripts: non-coding transcript variant (3), intron variant (2).
Genome position (GRCh38, 1-based): chr8:144,515,049, G>A on the plus strand (C>T on the coding strand, the complement: RECQL4 is on the minus strand). VCF-style: chr8-144515049-G-A. GRCh37 (hg19) VCF-style: chr8-145740433-G-A.
Other names: c.1411C>T, p.Pro471Ser (NM_001413017.1, NM_001413020.1); c.1507C>T, p.Pro503Ser (NM_001413018.1, NM_001413019.1, NM_001413033.1 and 1 more transcripts); c.436C>T, p.Pro146Ser (NM_001413021.1, NM_001413022.1, NM_001413023.1 and 7 more transcripts); c.1378C>T, p.Pro460Ser (NM_001413025.1); c.370C>T, p.Pro124Ser (NM_001413027.1, NM_001413030.1, NM_001413031.1 and 2 more transcripts); c.1156C>T, p.Pro386Ser (NM_001413029.1); c.40C>T, p.Pro14Ser (NM_001413043.1); c.1484-7C>T (NM_001413039.1); and 1 more; short protein forms P124S, P146S, P460S, P471S, P503S, P14S, P386S.
Identifiers: ClinVar variation 3431841 (VCV003431841.1).

ClinVar aggregate classification (germline): Uncertain significance (1 of 4 stars; one submission).

Conditions:
Inborn genetic diseases. Identifiers: MedGen C0950123, MeSH D030342.

Submission:

Ambry Genetics
Classification: Uncertain significance for Inborn genetic diseases. Last evaluated: 2024-10-02. Review status: criteria provided, single submitter. Criteria: Ambry Variant Classification Scheme 2023. Collection method: clinical testing. Allele origin: germline.
Comment: The p.P503S variant (also known as c.1507C>T), located in coding exon 9 of the RECQL4 gene, results from a C to T substitution at nucleotide position 1507. The proline at codon 503 is replaced by serine, an amino acid with similar properties. This amino acid position is conserved. In addition, this alteration is predicted to be tolerated by in silico analysis. Based on the available evidence, the clinical significance of this variant remains unclear.